The following is an entry in ClinVar:

NM_001009944.3(PKD1):c.3255G>A (p.Val1085=)

Gene: PKD1 (polycystin 1, transient receptor potential channel interacting; minus strand). Cytogenetic location: 16p13.3.
Variant type: single nucleotide variant.
Coding change: c.3255G>A on transcript NM_001009944.3 (MANE Select); coding-DNA position 3255, G replaced by A.
Protein change: p.Val1085=; no amino-acid change (valine 1085 retained).
Molecular consequence: synonymous variant.
Genome position (GRCh38, 1-based): chr16:2,112,380, C>T on the plus strand (G>A on the coding strand, the complement: PKD1 is on the minus strand). VCF-style: chr16-2112380-C-T. GRCh37 (hg19) VCF-style: chr16-2162381-C-T.
Other names: c.3255G>A, p.Val1085= (NM_000296.4).
Identifiers: ClinVar variation 1309164 (VCV001309164.3), dbSNP rs754575596, ClinGen allele CA7832872.

ClinVar aggregate classification (germline): Uncertain significance. Review status: criteria provided, multiple submitters, no conflicts (2 of 4 stars). 2 submissions from 2 submitters: Uncertain significance (2). Last evaluated 2021-12-22.

Conditions:
Polycystic kidney disease, adult type (PKD1). Also called: Polycystic Kidney Disease 1, Autosomal Dominant; Polycystic kidney disease 1; Polycystic kidney disease 1, severe; POLYCYSTIC KIDNEY DISEASE 1 WITH OR WITHOUT POLYCYSTIC LIVER DISEASE; POLYCYSTIC KIDNEY DISEASE, ADULT, TYPE I; Polycystic Kidney, Autosomal Dominant. Identifiers: MedGen C3149841, MONDO:0008263, OMIM 173900.

Allele frequency attached by ClinVar (database versions not stated): gnomAD exomes below 0.00001 and 0.00002; TOPMed 0.00002; ExAC 0.00003.
gnomAD v4.1: 5 of 1,587,306 alleles (0.00031%); highest among the groups gnomAD compares: Admixed American, 0.0067%; no homozygotes.

Submissions (2):

Fulgent Genetics
Classification: Uncertain significance for Polycystic kidney disease, adult type. Last evaluated: 2021-12-22. Review status: criteria provided, single submitter. Criteria: ACMG Guidelines, 2015. Collection method: clinical testing. Allele origin: unknown.

GeneDx
Classification: Uncertain significance. Last evaluated: 2019-10-29. Review status: criteria provided, single submitter. Criteria: GeneDx Variant Classification Process June 2021. Collection method: clinical testing. Allele origin: germline. Affected: yes.
Comment: In silico analysis, which includes splice predictors and evolutionary conservation, supports a deleterious effect; Has not been previously published as pathogenic or benign to our knowledge